The following is an entry in ClinVar:

NM_001035.3(RYR2):c.7710A>C (p.Glu2570Asp)

Gene: RYR2 (ryanodine receptor 2; plus strand). Cytogenetic location: 1q43.
Variant type: single nucleotide variant.
Coding change: c.7710A>C on transcript NM_001035.3 (MANE Select); coding-DNA position 7710, A replaced by C.
Protein change: p.Glu2570Asp; replaces glutamic acid 2570 with aspartic acid.
Molecular consequence: missense variant.
Genome position (GRCh38, 1-based): chr1:237,650,074, A>C. VCF-style: chr1-237650074-A-C. GRCh37 (hg19) VCF-style: chr1-237813374-A-C.
Other names: short protein forms E2570D.
Identifiers: ClinVar variation 1971893 (VCV001971893.5), dbSNP rs2547038193, ClinGen allele CA345399391.

ClinVar aggregate classification (germline): Uncertain significance (1 of 4 stars; one submission).

Conditions:
Catecholaminergic polymorphic ventricular tachycardia 1. Also called: RYR2-Related Catecholaminergic Polymorphic Ventricular Tachycardia; VENTRICULAR TACHYCARDIA, CATECHOLAMINERGIC POLYMORPHIC, 1, WITH OR WITHOUT ATRIAL DYSFUNCTION AND/OR DILATED CARDIOMYOPATHY; VENTRICULAR TACHYCARDIA, STRESS-INDUCED POLYMORPHIC 1. Identifiers: Orphanet 3286, MedGen C1631597, MONDO:0011484, OMIM 604772.

Allele frequency attached by ClinVar (database versions not stated): gnomAD exomes below 0.00001.
gnomAD v4.1: 1 of 1,613,986 alleles (0.000062%); highest among the groups gnomAD compares: African/African-American, 0.0013%; no homozygotes.

Submission:

Labcorp Genetics (formerly Invitae), Labcorp
Classification: Uncertain significance for Catecholaminergic polymorphic ventricular tachycardia 1. Last evaluated: 2022-07-22. Review status: criteria provided, single submitter. Criteria: Invitae Variant Classification Sherloc (09022015). Collection method: clinical testing. Allele origin: germline.
Comment: In summary, the available evidence is currently insufficient to determine the role of this variant in disease. Therefore, it has been classified as a Variant of Uncertain Significance. Advanced modeling of protein sequence and biophysical properties (such as structural, functional, and spatial information, amino acid conservation, physicochemical variation, residue mobility, and thermodynamic stability) performed at Invitae indicates that this missense variant is expected to disrupt RYR2 protein function. This variant has not been reported in the literature in individuals affected with RYR2-related conditions. This variant is not present in population databases (gnomAD no frequency). This sequence change replaces glutamic acid, which is acidic and polar, with aspartic acid, which is acidic and polar, at codon 2570 of the RYR2 protein (p.Glu2570Asp).